The following is an entry in ClinVar:

NM_000038.6(APC):c.8453C>G (p.Ser2818Cys)

Gene: APC (APC regulator of Wnt signaling pathway; plus strand). Cytogenetic location: 5q22.2.
Variant type: single nucleotide variant.
Coding change: c.8453C>G on transcript NM_000038.6 (MANE Select); coding-DNA position 8453, C replaced by G.
Protein change: p.Ser2818Cys; replaces serine 2818 with cysteine.
Molecular consequence: missense variant.
Genome position (GRCh38, 1-based): chr5:112,844,047, C>G. VCF-style: chr5-112844047-C-G. GRCh37 (hg19) VCF-style: chr5-112179744-C-G.
Other names: c.8369C>G, p.Ser2790Cys (NM_001354899.2); c.8330C>G, p.Ser2777Cys (NM_001354900.2); c.8276C>G, p.Ser2759Cys (NM_001354901.2, NM_001407453.1); c.8180C>G, p.Ser2727Cys (NM_001354902.2); c.8150C>G, p.Ser2717Cys (NM_001354903.2, NM_001407458.1, NM_001407459.1 and 1 more transcripts); c.8075C>G, p.Ser2692Cys (NM_001354904.2); c.7973C>G, p.Ser2658Cys (NM_001354905.2); c.7604C>G, p.Ser2535Cys (NM_001354906.2, NM_001407470.1); and 11 more; short protein forms S2658C, S2692C, S2735C, S2777C, S2808C, S2434C, S2759C, S2811C.
Identifiers: ClinVar variation 1763440 (VCV001763440.6), dbSNP rs2150005665, ClinGen allele CA16039669.

ClinVar aggregate classification (germline): Uncertain significance. Review status: criteria provided, multiple submitters, no conflicts (2 of 4 stars). 2 submissions from 2 submitters: Uncertain significance (2). Last evaluated 2025-03-19.

Conditions:
Hereditary cancer-predisposing syndrome. Also called: Neoplastic Syndromes, Hereditary; Tumor predisposition; Hereditary Cancer Syndrome; Hereditary neoplastic syndrome. Identifiers: Orphanet 140162, MedGen C0027672, MeSH D009386, MONDO:0015356.
Familial adenomatous polyposis 1 (FAP1). Also called: FAMILIAL ADENOMATOUS POLYPOSIS 1, ATTENUATED; POLYPOSIS, ADENOMATOUS INTESTINAL. Identifiers: MedGen C2713442, MONDO:0021056, OMIM 175100. Disease mechanism: loss of function.

Submissions (2):

Ambry Genetics
Classification: Uncertain significance for Hereditary cancer-predisposing syndrome. Last evaluated: 2025-03-19. Review status: criteria provided, single submitter. Criteria: Ambry Variant Classification Scheme 2023. Collection method: clinical testing. Allele origin: germline.
Comment: The p.S2818C variant (also known as c.8453C>G), located in coding exon 15 of the APC gene, results from a C to G substitution at nucleotide position 8453. The serine at codon 2818 is replaced by cysteine, an amino acid with dissimilar properties. This amino acid position is well conserved in available vertebrate species. In addition, in silico predictors for this gene do not accurately predict pathogenicity. Missense alterations in APC are not a common cause of disease (Spier I et al. Genet Med. 2024 Feb;26(2):100992). Based on the available evidence, the clinical significance of this variant remains unclear.

Labcorp Genetics (formerly Invitae), Labcorp
Classification: Uncertain significance for Familial adenomatous polyposis 1. Last evaluated: 2023-05-30. Review status: criteria provided, single submitter. Criteria: Invitae Variant Classification Sherloc (09022015). Collection method: clinical testing. Allele origin: germline.
Comment: This sequence change replaces serine, which is neutral and polar, with cysteine, which is neutral and slightly polar, at codon 2818 of the APC protein (p.Ser2818Cys). This variant is not present in population databases (gnomAD no frequency). In summary, the available evidence is currently insufficient to determine the role of this variant in disease. Therefore, it has been classified as a Variant of Uncertain Significance. Advanced modeling of protein sequence and biophysical properties (such as structural, functional, and spatial information, amino acid conservation, physicochemical variation, residue mobility, and thermodynamic stability) performed at Invitae indicates that this missense variant is not expected to disrupt APC protein function. ClinVar contains an entry for this variant (Variation ID: 1763440). This variant has not been reported in the literature in individuals affected with APC-related conditions.